The following is an entry in ClinVar:

ClinVar aggregate classification (germline): Uncertain significance (1 of 4 stars; one submission).

Submission:

Labcorp Genetics (formerly Invitae), Labcorp
Classification: Uncertain significance. Last evaluated: 2022-10-04. Review status: criteria provided, single submitter. Criteria: Invitae Variant Classification Sherloc (09022015). Collection method: clinical testing. Allele origin: germline.
Comment: In summary, the available evidence is currently insufficient to determine the role of this variant in disease. Therefore, it has been classified as a Variant of Uncertain Significance. Algorithms developed to predict the effect of missense changes on protein structure and function (SIFT, PolyPhen-2, Align-GVGD) all suggest that this variant is likely to be tolerated. This variant has not been reported in the literature in individuals affected with MECOM-related conditions. This variant is not present in population databases (gnomAD no frequency). This sequence change replaces methionine, which is neutral and non-polar, with valine, which is neutral and non-polar, at codon 430 of the MECOM protein (p.Met430Val).

NM_004991.4(MECOM):c.1852A>G (p.Met618Val)

Gene: MECOM (MDS1 and EVI1 complex locus; minus strand). Cytogenetic location: 3q26.2.
Variant type: single nucleotide variant.
Coding change: c.1852A>G on transcript NM_004991.4 (MANE Select); coding-DNA position 1852, A replaced by G.
Protein change: p.Met618Val; replaces methionine 618 with valine.
Molecular consequence: missense variant. On other transcripts: intron variant (2).
Genome position (GRCh38, 1-based): chr3:169,116,020, T>C on the plus strand (A>G on the coding strand, the complement: MECOM is on the minus strand). VCF-style: chr3-169116020-T-C. GRCh37 (hg19) VCF-style: chr3-168833808-T-C.
Other names: c.1483A>G, p.Met495Val (NM_001105077.4); c.1288A>G, p.Met430Val (NM_001105078.4, NM_001164000.2, NM_001205194.2 and 4 more transcripts); c.1291A>G, p.Met431Val (NM_001163999.2, NM_001366467.2, NM_001366468.2 and 1 more transcripts); c.1852A>G, p.Met618Val (NM_001366466.2); c.1133-253A>G (NM_001366473.2); c.569-253A>G (NM_001366474.2); short protein forms M430V, M431V, M495V, M618V.
Identifiers: ClinVar variation 2033967 (VCV002033967.4), dbSNP rs2549408328, ClinGen allele CA355087367.